The following is an entry in ClinVar:

ClinVar aggregate classification (germline): Uncertain significance (1 of 4 stars; one submission).

Conditions:
Cardiovascular phenotype. Identifiers: MedGen CN230736.

Submission:

Ambry Genetics
Classification: Uncertain significance for Cardiovascular phenotype. Last evaluated: 2024-02-13. Review status: criteria provided, single submitter. Criteria: Ambry Variant Classification Scheme 2023. Collection method: clinical testing. Allele origin: germline.
Comment: The p.C2668W variant (also known as c.8004C>G), located in coding exon 53 of the RYR2 gene, results from a C to G substitution at nucleotide position 8004. The cysteine at codon 2668 is replaced by tryptophan, an amino acid with highly dissimilar properties. This amino acid position is highly conserved in available vertebrate species. In addition, this alteration is predicted to be deleterious by in silico analysis. Based on the available evidence, the clinical significance of this alteration remains unclear.

NM_001035.3(RYR2):c.8004C>G (p.Cys2668Trp)

Gene: RYR2 (ryanodine receptor 2; plus strand). Cytogenetic location: 1q43.
Variant type: single nucleotide variant.
Coding change: c.8004C>G on transcript NM_001035.3 (MANE Select); coding-DNA position 8004, C replaced by G.
Protein change: p.Cys2668Trp; replaces cysteine 2668 with tryptophan.
Molecular consequence: missense variant.
Genome position (GRCh38, 1-based): chr1:237,655,859, C>G. VCF-style: chr1-237655859-C-G. GRCh37 (hg19) VCF-style: chr1-237819159-C-G.
Other names: short protein forms C2668W.
Identifiers: ClinVar variation 3232411 (VCV003232411.1), dbSNP rs1553270516, ClinGen allele CA345400804.